The following is an entry in ClinVar:

ClinVar aggregate classification (germline): Benign. Review status: criteria provided, multiple submitters, no conflicts (2 of 4 stars). 7 submissions from 7 submitters: Benign (6). 1 of the submissions does not count toward it. Last evaluated 2026-02-03.

Conditions:
Inborn genetic diseases. Identifiers: MedGen C0950123, MeSH D030342.
Nicolaides-Baraitser syndrome (NCBRS). Also called: SMARCA2-Related Nicolaides-Baraitser Syndrome; Intellectual disability-sparse hair-brachydactyly syndrome. Identifiers: Orphanet 3051, MedGen C1303073, MONDO:0011053, OMIM 601358.

Allele frequency attached by ClinVar (database versions not stated): gnomAD exomes 0.12263 and 0.11429; gnomAD 0.23599 and 0.24705; 1000 Genomes Project 30x 0.24891; ESP Exome Variant Server 0.26803; TOPMed 0.25254; ExAC 0.13795; 1000 Genomes Project 0.23542.
gnomAD v4.1: 203,636 of 1,612,202 alleles (13%); highest among the groups gnomAD compares: African/African-American, 60%; 22,628 homozygotes.

Submissions (7):

Labcorp Genetics (formerly Invitae), Labcorp
Classification: Benign. Last evaluated: 2026-02-03. Review status: criteria provided, single submitter. Criteria: Invitae Variant Classification Sherloc (09022015). Collection method: clinical testing. Allele origin: germline.

Mayo Clinic Laboratories, Mayo Clinic
Classification: Benign. Last evaluated: 2021-11-29. Review status: criteria provided, single submitter. Criteria: ACMG Guidelines, 2015. Collection method: clinical testing. Allele origin: germline. Observed: 68 variant alleles.

GeneDx
Classification: Benign. Last evaluated: 2018-07-31. Review status: criteria provided, single submitter. Criteria: GeneDx Variant Classification Process June 2021. Collection method: clinical testing. Allele origin: germline. Affected: yes.

Illumina Laboratory Services, Illumina
Classification: Benign for Nicolaides-Baraitser syndrome. Last evaluated: 2018-01-13. Review status: criteria provided, single submitter. Criteria: ICSL Variant Classification Criteria 13 December 2019. Collection method: clinical testing. Allele origin: germline.
Comment: This variant was observed in the ICSL laboratory as part of a predisposition screen in an ostensibly healthy population. It had not been previously curated by ICSL or reported in the Human Gene Mutation Database (HGMD: prior to June 1st, 2018), and was therefore a candidate for classification through an automated scoring system. Utilizing variant allele frequency, disease prevalence and penetrance estimates, and inheritance mode, an automated score was calculated to assess if this variant is too frequent to cause the disease. Based on the score and internal cut-off values, a variant classified as benign is not then subjected to further curation. The score for this variant resulted in a classification of benign for this disease.

Ambry Genetics
Classification: Benign for Inborn genetic diseases. Last evaluated: 2016-03-13. Review status: criteria provided, single submitter. Criteria: Ambry Variant Classification Scheme 2023. Collection method: clinical testing. Allele origin: germline.

Breakthrough Genomics
Classification: Benign. Review status: criteria provided, single submitter. Criteria: ACMG Guidelines, 2015. Collection method: not provided. Allele origin: germline. Inheritance: Autosomal dominant inheritance. Affected: yes.

Genetic Services Laboratory, University of Chicago
Classification: Likely benign for AllHighlyPenetrant. Review status: no assertion criteria provided. Collection method: clinical testing. Allele origin: germline. Inheritance: Autosomal dominant inheritance. Observed: 36 variant alleles. Not counted in ClinVar's aggregate classification.
Comment: Likely benign based on allele frequency in 1000 Genomes Project or ESP global frequency and its presence in a patient with a rare or unrelated disease phenotype. NOT Sanger confirmed.

NM_003070.5(SMARCA2):c.3672G>A (p.Glu1224=)

Gene: SMARCA2 (SWI/SNF related BAF chromatin remodeling complex subunit ATPase 2; plus strand). Cytogenetic location: 9p24.3.
Variant type: single nucleotide variant.
Coding change: c.3672G>A on transcript NM_003070.5 (MANE Select); coding-DNA position 3672, G replaced by A.
Protein change: p.Glu1224=; no amino-acid change (glutamic acid 1224 retained).
Molecular consequence: synonymous variant.
Genome position (GRCh38, 1-based): chr9:2,116,037, G>A. VCF-style: chr9-2116037-G-A. GRCh37 (hg19) VCF-style: chr9-2116037-G-A.
Other names: p.Glu1224=; c.3672G>A, p.Glu1224= (NM_001289396.2, NM_139045.4); c.3498G>A, p.Glu1166= (NM_001289397.2).
Identifiers: ClinVar variation 126346 (VCV000126346.25), dbSNP rs6601, ClinGen allele CA151087.